The following is an entry in ClinVar:

NM_005570.4(LMAN1):c.1356del (p.Asn452_Leu453insTer)

Gene: LMAN1 (lectin, mannose binding 1; minus strand). Cytogenetic location: 18q21.32.
Variant type: Deletion.
Coding change: c.1356del on transcript NM_005570.4 (MANE Select); coding-DNA position 1356, one base deleted (C; older notation c.1356delC).
Protein change: p.Asn452_Leu453insTer.
Molecular consequence: frameshift variant.
Genome position (GRCh38, 1-based): chr18:59,333,109, G deleted on the plus strand (C on the coding strand, the reverse complement: LMAN1 is on the minus strand). VCF-style (leftmost placement, unchanged base first): chr18-59333108-AG-A. GRCh37 (hg19) VCF-style: chr18-57000340-AG-A.
Other names: c.1356delC (NM_005570.3).
Identifiers: ClinVar variation 8065 (VCV000008065.4), dbSNP rs869312033, ClinGen allele CA352458.
Genomic context (GRCh38, chr18:59,333,108, plus strand): 5'-TCCTAAAGATTATAATTATAAAAGGAAAAGGAAACAAAGTTACCATATTTCGCTGCACTA[AG>A]TTATCTATGTCCCTCTTTACTATGTGCAGGTGCTCTTTGATGTCAATGAAGTGCTGTGTT-3'

ClinVar aggregate classification (germline): Pathogenic. Review status: criteria provided, single submitter (1 of 4 stars). 2 submissions from 2 submitters: Pathogenic (1). 1 of the submissions does not count toward it. Last evaluated 2024-10-18.

Conditions:
LMAN1-related disorder. Also called: LMAN1-related condition.
Factor V and factor VIII, combined deficiency of, type 1. Also called: FMFD I; Combined factor V and VIII deficiency; FAMILIAL MULTIPLE COAGULATION FACTOR DEFICIENCY I; MULTIPLE COAGULATION FACTOR DEFICIENCY I. Identifiers: Orphanet 35909, MedGen C4551981, MONDO:0009206, OMIM 227300.

Submissions (2):

PreventionGenetics, part of Exact Sciences
Classification: Pathogenic for LMAN1-related condition. Last evaluated: 2024-10-18. Review status: criteria provided, single submitter. Criteria: ACMG Guidelines, 2015. Collection method: clinical testing. Allele origin: germline.
Comment: The LMAN1 c.1356delC variant is predicted to result in premature protein termination (p.Leu453*). This variant has been reported in the homozygous state in two siblings affected with combined deficiency of factor V and factor VIII (Zhang et al. 2008. PubMed ID: 18391077). This variant has not been reported in a large population database (gnomAD), indicating this variant is rare. Nonsense variants in LMAN1 are expected to be pathogenic. This variant is interpreted as pathogenic.

OMIM
Classification: Pathogenic for FACTOR V AND FACTOR VIII, COMBINED DEFICIENCY OF, 1. Last evaluated: 2008-06-15. Review status: no assertion criteria provided. Collection method: literature only. Allele origin: germline. Not counted in ClinVar's aggregate classification.

Literature cited by the submitters: PubMed 18391077 (cited by OMIM).